The following is an entry in ClinVar:

ClinVar aggregate classification (germline): Uncertain significance (1 of 4 stars; one submission).

Conditions:
Congenital contractural arachnodactyly (CCA). Also called: Beals-Hecht syndrome; BEALS SYNDROME; Arthrogryposis, distal, type 9. Identifiers: Orphanet 115, MedGen C0220668, MONDO:0007363, OMIM 121050.

Allele frequency attached by ClinVar (database versions not stated): ExAC 0.00001; gnomAD exomes 0.00001.

Submission:

Labcorp Genetics (formerly Invitae), Labcorp
Classification: Uncertain significance for Congenital contractural arachnodactyly. Last evaluated: 2017-04-12. Review status: criteria provided, single submitter. Criteria: Invitae Variant Classification Sherloc (09022015). Collection method: clinical testing. Allele origin: germline.
Comment: Algorithms developed to predict the effect of sequence changes on RNA splicing suggest that this variant is not likely to affect RNA splicing, but this prediction has not been confirmed by published transcriptional studies. This variant is present in population databases (rs762144935, ExAC 0.006%) but has not been reported in the literature in individuals with a FBN2-related disease. Nucleotide substitutions within the consensus splice site are relatively common causes of aberrant splicing (PMID: 17576681, 9536098) but according to multiple splice site algorithms this particular variant is not predicted to significantly affect splicing. These predictions have not been confirmed by published functional studies. In summary, this is a novel intronic change with uncertain impact on splicing. It has been classified as a Variant of Uncertain Significance.

Literature cited by the submitters: PubMed 17576681; PubMed 9536098.

NM_001999.4(FBN2):c.2863+3G>A

Gene: FBN2 (fibrillin 2; minus strand). Cytogenetic location: 5q23.3.
Variant type: single nucleotide variant.
Coding change: c.2863+3G>A on transcript NM_001999.4 (MANE Select); 3 bases into the intron after coding-DNA position 2863, G replaced by A.
Molecular consequence: intron variant.
Genome position (GRCh38, 1-based): chr5:128,349,952, C>T on the plus strand (G>A on the coding strand, the complement: FBN2 is on the minus strand). VCF-style: chr5-128349952-C-T. GRCh37 (hg19) VCF-style: chr5-127685644-C-T.
Identifiers: ClinVar variation 458747 (VCV000458747.9), dbSNP rs762144935, ClinGen allele CA3395425.